The following is an entry in ClinVar:

NM_006031.6(PCNT):c.8752del (p.Arg2918fs)

Gene: PCNT (pericentrin; plus strand). Cytogenetic location: 21q22.3.
Variant type: Deletion.
Coding change: c.8752del on transcript NM_006031.6 (MANE Select); coding-DNA position 8752, one base deleted (C; older notation c.8752delC).
Protein change: p.Arg2918fs; shifts the reading frame from arginine 2918.
Molecular consequence: frameshift variant.
Genome position (GRCh38, 1-based): chr21:46,435,904, C deleted. VCF-style (leftmost placement, unchanged base first): chr21-46435903-GC-G. GRCh37 (hg19) VCF-style: chr21-47855816-GC-G.
Other names: c.8161del, p.Arg2721fs (NM_001315529.2); short protein forms R2721fs, R2918fs.
Identifiers: ClinVar variation 2832430 (VCV002832430.3), dbSNP rs2519056022, ClinGen allele CA2655027833.

ClinVar aggregate classification (germline): Pathogenic (1 of 4 stars; one submission).

Submission:

Labcorp Genetics (formerly Invitae), Labcorp
Classification: Pathogenic. Last evaluated: 2023-01-28. Review status: criteria provided, single submitter. Criteria: Invitae Variant Classification Sherloc (09022015). Collection method: clinical testing. Allele origin: germline.
Comment: This sequence change creates a premature translational stop signal (p.Arg2918Glufs*3) in the PCNT gene. It is expected to result in an absent or disrupted protein product. Loss-of-function variants in PCNT are known to be pathogenic (PMID: 18174396, 22821869). This variant is not present in population databases (gnomAD no frequency). This variant has not been reported in the literature in individuals affected with PCNT-related conditions. Algorithms developed to predict the effect of sequence changes on RNA splicing suggest that this variant may disrupt the consensus splice site. For these reasons, this variant has been classified as Pathogenic.

Literature cited by the submitters: PubMed 18174396; PubMed 22821869.